The following is an entry in ClinVar:

ClinVar aggregate classification (germline): Uncertain significance (1 of 4 stars; one submission).

Conditions:
Alagille syndrome due to a JAG1 point mutation. Also called: HEPATIC DUCTULAR HYPOPLASIA, SYNDROMATIC; Alagille Syndrome 1; JAG1-Related Alagille Syndrome. Identifiers: Orphanet 261619, Orphanet 52, MedGen C1956125, MONDO:0016862, OMIM 118450.

gnomAD v4.1: 3 of 1,613,458 alleles (0.00019%); highest among the groups gnomAD compares: Non-Finnish European, 0.00025%; no homozygotes.

Submission:

Labcorp Genetics (formerly Invitae), Labcorp
Classification: Uncertain significance for Alagille syndrome due to a JAG1 point mutation. Last evaluated: 2022-07-05. Review status: criteria provided, single submitter. Criteria: Invitae Variant Classification Sherloc (09022015). Collection method: clinical testing. Allele origin: germline.
Comment: In summary, the available evidence is currently insufficient to determine the role of this variant in disease. Therefore, it has been classified as a Variant of Uncertain Significance. Advanced modeling of protein sequence and biophysical properties (such as structural, functional, and spatial information, amino acid conservation, physicochemical variation, residue mobility, and thermodynamic stability) performed at Invitae indicates that this missense variant is not expected to disrupt JAG1 protein function. ClinVar contains an entry for this variant (Variation ID: 957266). This variant has not been reported in the literature in individuals affected with JAG1-related conditions. This variant is not present in population databases (gnomAD no frequency). This sequence change replaces aspartic acid, which is acidic and polar, with histidine, which is basic and polar, at codon 437 of the JAG1 protein (p.Asp437His).

NM_000214.3(JAG1):c.1309G>C (p.Asp437His)

Gene: JAG1 (jagged canonical Notch ligand 1; minus strand). Cytogenetic location: 20p12.2.
Variant type: single nucleotide variant.
Coding change: c.1309G>C on transcript NM_000214.3 (MANE Select); coding-DNA position 1309, G replaced by C.
Protein change: p.Asp437His; replaces aspartic acid 437 with histidine.
Molecular consequence: missense variant.
Genome position (GRCh38, 1-based): chr20:10,649,561, C>G on the plus strand (G>C on the coding strand, the complement: JAG1 is on the minus strand). VCF-style: chr20-10649561-C-G. GRCh37 (hg19) VCF-style: chr20-10630209-C-G.
Other names: short protein forms D437H.
Identifiers: ClinVar variation 957266 (VCV000957266.9), dbSNP rs758876727, ClinGen allele CA408238174.